The following is an entry in ClinVar:

NM_005918.4(MDH2):c.537C>G (p.Thr179=)

Gene: MDH2 (malate dehydrogenase 2; plus strand). Cytogenetic location: 7q11.23.
Variant type: single nucleotide variant.
Coding change: c.537C>G on transcript NM_005918.4 (MANE Select); coding-DNA position 537, C replaced by G.
Protein change: p.Thr179=; no amino-acid change (threonine 179 retained).
Molecular consequence: synonymous variant. On other transcripts: intron variant (1).
Genome position (GRCh38, 1-based): chr7:76,060,480, C>G. VCF-style: chr7-76060480-C-G. GRCh37 (hg19) VCF-style: chr7-75689798-C-G.
Other names: c.216C>G, p.Thr72= (NM_001282404.2); c.429+2402C>G (NM_001282403.2).
Identifiers: ClinVar variation 1747142 (VCV001747142.26), dbSNP rs1454662791, ClinGen allele CA456075278.

ClinVar aggregate classification (germline): Likely benign. Review status: criteria provided, multiple submitters, no conflicts (2 of 4 stars). 2 submissions from 2 submitters: Likely benign (2). Last evaluated 2023-04-01.

Conditions:
Inborn genetic diseases. Identifiers: MedGen C0950123, MeSH D030342.

Allele frequency attached by ClinVar (database versions not stated): gnomAD exomes below 0.00001; TOPMed below 0.00001.
gnomAD v4.1: 6 of 1,614,178 alleles (0.00037%); highest among the groups gnomAD compares: Non-Finnish European, 0.00042%; no homozygotes.

Submissions (2):

CeGaT Center for Human Genetics Tuebingen
Classification: Likely benign. Last evaluated: 2023-04-01. Review status: criteria provided, single submitter. Criteria: CeGaT Center For Human Genetics Tuebingen Variant Classification Criteria Version 2. Collection method: clinical testing. Allele origin: germline. Affected: yes. Observed: 1 variant allele.
Comment: MDH2: BP4, BP7

Ambry Genetics
Classification: Likely benign for Inborn genetic diseases. Last evaluated: 2022-03-04. Review status: criteria provided, single submitter. Criteria: Ambry Variant Classification Scheme 2023. Collection method: clinical testing. Allele origin: germline.